The following is an entry in ClinVar:

NM_005228.5(EGFR):c.1437A>C (p.Lys479Asn)

Gene: EGFR (epidermal growth factor receptor; plus strand). Cytogenetic location: 7p11.2.
Variant type: single nucleotide variant.
Coding change: c.1437A>C on transcript NM_005228.5 (MANE Select); coding-DNA position 1437, A replaced by C.
Protein change: p.Lys479Asn; replaces lysine 479 with asparagine.
Molecular consequence: missense variant.
Genome position (GRCh38, 1-based): chr7:55,160,277, A>C. VCF-style: chr7-55160277-A-C. GRCh37 (hg19) VCF-style: chr7-55227970-A-C.
Other names: c.1302A>C, p.Lys434Asn (NM_001346897.2, NM_001346899.2); c.1437A>C, p.Lys479Asn (NM_001346898.2, NM_201282.2, NM_201284.2); c.1278A>C, p.Lys426Asn (NM_001346900.2); c.636A>C, p.Lys212Asn (NM_001346941.2); c.1437A>C (NM_005228.4); short protein forms K434N, K479N, K426N, K212N.
Identifiers: ClinVar variation 957697 (VCV000957697.10), dbSNP rs768208443, ClinGen allele CA4265574.
Genomic context (GRCh38, chr7:55,160,277, plus strand): 5'-AGATGTGATAATTTCAGGAAACAAAAATTTGTGCTATGCAAATACAATAAACTGGAAAAA[A>C]CTGTTTGGGACCTCCGGTCAGAAAACCAAAATTATAAGCAACAGAGGTGAAAACAGCTGC-3'
Protein context (NP_005219.2, residues 469-489): LCYANTINWK[Lys479Asn]LFGTSGQKTK

ClinVar aggregate classification (germline): Conflicting classifications of pathogenicity. Review status: criteria provided, conflicting classifications (1 of 4 stars). 4 submissions from 4 submitters: Uncertain significance (3); Likely benign (1). Last evaluated 2025-12-17.

Conditions:
Inflammatory skin and bowel disease, neonatal, 2 (NNCIS). Identifiers: Orphanet 294023, MedGen C4015130, MONDO:0014481, OMIM 616069.
Lung cancer. Also called: Malignant tumor of lung; Lung cancer, somatic. Identifiers: MedGen C0242379, MONDO:0008903, OMIM 211980.
EGFR-related disorder. Also called: EGFR-related condition.
Hereditary cancer-predisposing syndrome. Also called: Tumor predisposition; Hereditary neoplastic syndrome; Neoplastic Syndromes, Hereditary; Hereditary Cancer Syndrome. Identifiers: Orphanet 140162, MedGen C0027672, MeSH D009386, MONDO:0015356.
EGFR-related lung cancer (EGFR). Identifiers: MedGen CN130014.

Allele frequency attached by ClinVar (database versions not stated): gnomAD exomes below 0.00001; ExAC 0.00001; gnomAD 0.00001.
gnomAD v4.1: 1 of 1,613,938 alleles (0.000062%); highest among the groups gnomAD compares: Non-Finnish European, 0.000085%; no homozygotes.

Submissions (4):

Labcorp Genetics (formerly Invitae), Labcorp
Classification: Uncertain significance for EGFR-related lung cancer. Last evaluated: 2025-12-17. Review status: criteria provided, single submitter. Criteria: Invitae Variant Classification Sherloc (09022015). Collection method: clinical testing. Allele origin: germline.
Comment: This sequence change replaces lysine, which is basic and polar, with asparagine, which is neutral and polar, at codon 479 of the EGFR protein (p.Lys479Asn). This variant is present in population databases (rs768208443, gnomAD 0.0009%). This variant has not been reported in the literature in individuals affected with EGFR-related conditions. ClinVar contains an entry for this variant (Variation ID: 957697). Invitae Evidence Modeling of protein sequence and biophysical properties (such as structural, functional, and spatial information, amino acid conservation, physicochemical variation, residue mobility, and thermodynamic stability) indicates that this missense variant is not expected to disrupt EGFR protein function with a negative predictive value of 80%. In summary, the available evidence is currently insufficient to determine the role of this variant in disease. Therefore, it has been classified as a Variant of Uncertain Significance.

Ambry Genetics
Classification: Likely benign for Hereditary cancer-predisposing syndrome. Last evaluated: 2024-12-09. Review status: criteria provided, single submitter. Criteria: Ambry Variant Classification Scheme 2023. Collection method: clinical testing. Allele origin: germline.

Fulgent Genetics
Classification: Uncertain significance for Lung cancer; Inflammatory skin and bowel disease, neonatal, 2. Last evaluated: 2024-05-30. Review status: criteria provided, single submitter. Criteria: ACMG Guidelines, 2015. Collection method: clinical testing. Allele origin: germline.

PreventionGenetics, part of Exact Sciences
Classification: Uncertain significance for EGFR-related condition. Last evaluated: 2023-04-20. Review status: criteria provided, single submitter. Criteria: ACMG Guidelines, 2015. Collection method: clinical testing. Allele origin: germline.
Comment: The EGFR c.1437A>C variant is predicted to result in the amino acid substitution p.Lys479Asn. To our knowledge, this variant has not been reported in the literature. This variant is reported in 0.00088% of alleles in individuals of European (Non-Finnish) descent in gnomAD. At this time, the clinical significance of this variant is uncertain due to the absence of conclusive functional and genetic evidence.